The following is an entry in ClinVar:

NM_177438.3(DICER1):c.3545A>C (p.Gln1182Pro)

Gene: DICER1 (dicer 1, ribonuclease III; minus strand). Cytogenetic location: 14q32.13.
Variant type: single nucleotide variant.
Coding change: c.3545A>C on transcript NM_177438.3 (MANE Select); coding-DNA position 3545, A replaced by C.
Protein change: p.Gln1182Pro; replaces glutamine 1182 with proline.
Molecular consequence: missense variant.
Genome position (GRCh38, 1-based): chr14:95,103,851, T>G on the plus strand (A>C on the coding strand, the complement: DICER1 is on the minus strand). VCF-style: chr14-95103851-T-G. GRCh37 (hg19) VCF-style: chr14-95570188-T-G.
Other names: c.3545A>C, p.Gln1182Pro (NM_001195573.1, NM_001271282.3, NM_001291628.2 and 1 more transcripts); c.3545A>C (NM_177438.2); short protein forms Q1182P.
Identifiers: ClinVar variation 1022709 (VCV001022709.11), dbSNP rs1891145028, ClinGen allele CA390874993.

ClinVar aggregate classification (germline): Uncertain significance. Review status: criteria provided, multiple submitters, no conflicts (2 of 4 stars). 2 submissions from 2 submitters: Uncertain significance (2). Last evaluated 2026-08-28.

Conditions:
DICER1-related tumor predisposition. Also called: DICER1-related pleuropulmonary blastoma cancer predisposition syndrome; DICER1 syndrome. Identifiers: Orphanet 284343, MedGen C3839822, MONDO:0100216.
Hereditary cancer-predisposing syndrome. Also called: Tumor predisposition; Hereditary Cancer Syndrome; Hereditary neoplastic syndrome; Neoplastic Syndromes, Hereditary. Identifiers: Orphanet 140162, MedGen C0027672, MeSH D009386, MONDO:0015356.

Submissions (2):

Ambry Genetics
Classification: Uncertain significance for Hereditary cancer-predisposing syndrome. Last evaluated: 2026-08-28. Review status: criteria provided, single submitter. Criteria: Ambry Variant Classification Scheme 2023. Collection method: clinical testing. Allele origin: germline.
Comment: The p.Q1182P variant (also known as c.3545A>C), located in coding exon 20 of the DICER1 gene, results from an A to C substitution at nucleotide position 3545. The glutamine at codon 1182 is replaced by proline, an amino acid with similar properties. This amino acid position is conserved. In addition, this alteration is predicted to be tolerated by in silico analysis. Based on the available evidence, the clinical significance of this variant remains unclear.

Labcorp Genetics (formerly Invitae), Labcorp
Classification: Uncertain significance for DICER1-related tumor predisposition. Last evaluated: 2020-08-20. Review status: criteria provided, single submitter. Criteria: Invitae Variant Classification Sherloc (09022015). Collection method: clinical testing. Allele origin: germline.
Comment: In summary, the available evidence is currently insufficient to determine the role of this variant in disease. Therefore, it has been classified as a Variant of Uncertain Significance. Algorithms developed to predict the effect of missense changes on protein structure and function (SIFT, PolyPhen-2, Align-GVGD) all suggest that this variant is likely to be tolerated, but these predictions have not been confirmed by published functional studies and their clinical significance is uncertain. This variant has not been reported in the literature in individuals with DICER1-related conditions. This variant is not present in population databases (ExAC no frequency). This sequence change replaces glutamine with proline at codon 1182 of the DICER1 protein (p.Gln1182Pro). The glutamine residue is weakly conserved and there is a moderate physicochemical difference between glutamine and proline.